The following is an entry in ClinVar:

ClinVar aggregate classification (germline): Uncertain significance. Review status: criteria provided, multiple submitters, no conflicts (2 of 4 stars). 2 submissions from 2 submitters: Uncertain significance (2). Last evaluated 2023-10-29.

Conditions:
Gorlin syndrome. Also called: Basal cell nevus syndrome; Nevoid Basal Cell Carcinoma Syndrome. Identifiers: Orphanet 377, MedGen C0004779, MONDO:0007187.
Hereditary cancer-predisposing syndrome. Also called: Neoplastic Syndromes, Hereditary; Hereditary Cancer Syndrome; Hereditary neoplastic syndrome; Tumor predisposition. Identifiers: Orphanet 140162, MedGen C0027672, MeSH D009386, MONDO:0015356.

Submissions (2):

Ambry Genetics
Classification: Uncertain significance for Hereditary cancer-predisposing syndrome. Last evaluated: 2023-10-29. Review status: criteria provided, single submitter. Criteria: Ambry Variant Classification Scheme 2023. Collection method: clinical testing. Allele origin: germline.
Comment: The p.A572S variant (also known as c.1714G>T), located in coding exon 12 of the PTCH1 gene, results from a G to T substitution at nucleotide position 1714. The alanine at codon 572 is replaced by serine, an amino acid with similar properties. This amino acid position is conserved. In addition, the in silico prediction for this alteration is inconclusive. Since supporting evidence is limited at this time, the clinical significance of this alteration remains unclear.

Labcorp Genetics (formerly Invitae), Labcorp
Classification: Uncertain significance for Gorlin syndrome. Last evaluated: 2022-09-19. Review status: criteria provided, single submitter. Criteria: Invitae Variant Classification Sherloc (09022015). Collection method: clinical testing. Allele origin: germline.
Comment: In summary, the available evidence is currently insufficient to determine the role of this variant in disease. Therefore, it has been classified as a Variant of Uncertain Significance. Advanced modeling of protein sequence and biophysical properties (such as structural, functional, and spatial information, amino acid conservation, physicochemical variation, residue mobility, and thermodynamic stability) performed at Invitae indicates that this missense variant is not expected to disrupt PTCH1 protein function. ClinVar contains an entry for this variant (Variation ID: 640585). This variant has not been reported in the literature in individuals affected with PTCH1-related conditions. This variant is not present in population databases (gnomAD no frequency). This sequence change replaces alanine, which is neutral and non-polar, with serine, which is neutral and polar, at codon 572 of the PTCH1 protein (p.Ala572Ser).

NM_000264.5(PTCH1):c.1714G>T (p.Ala572Ser)

Gene: PTCH1 (patched 1; minus strand). Cytogenetic location: 9q22.32.
Variant type: single nucleotide variant.
Coding change: c.1714G>T on transcript NM_000264.5 (MANE Select); coding-DNA position 1714, G replaced by T.
Protein change: p.Ala572Ser; replaces alanine 572 with serine.
Molecular consequence: missense variant. On other transcripts: non-coding transcript variant (1).
Genome position (GRCh38, 1-based): chr9:95,476,048, C>A on the plus strand (G>T on the coding strand, the complement: PTCH1 is on the minus strand). VCF-style: chr9-95476048-C-A. GRCh37 (hg19) VCF-style: chr9-98238330-C-A.
Other names: c.1516G>T, p.Ala506Ser (NM_001083602.3); c.1711G>T, p.Ala571Ser (NM_001083603.3); c.1261G>T, p.Ala421Ser (NM_001083604.3, NM_001083605.3, NM_001083606.3 and 1 more transcripts); c.1558G>T, p.Ala520Ser (NM_001354918.2); short protein forms A571S, A421S, A506S, A520S, A572S.
Identifiers: ClinVar variation 640585 (VCV000640585.10), dbSNP rs1588596119, ClinGen allele CA374117902.